The following is an entry in ClinVar:

ClinVar aggregate classification (germline): Uncertain significance. Review status: criteria provided, multiple submitters, no conflicts (2 of 4 stars). 2 submissions from 2 submitters: Uncertain significance (2). Last evaluated 2025-04-19.

Conditions:
Cardiovascular phenotype. Identifiers: MedGen CN230736.

gnomAD v4.1: 1 of 1,613,842 alleles (0.000062%); no homozygotes.

Submissions (2):

Ambry Genetics
Classification: Uncertain significance for Cardiovascular phenotype. Last evaluated: 2025-04-19. Review status: criteria provided, single submitter. Criteria: Ambry Variant Classification Scheme 2023. Collection method: clinical testing. Allele origin: germline.
Comment: The p.S131N variant (also known as c.392G>A), located in coding exon 2 of the CBL gene, results from a G to A substitution at nucleotide position 392. The serine at codon 131 is replaced by asparagine, an amino acid with highly similar properties. This amino acid position is conserved. In addition, this alteration is predicted to be tolerated by in silico analysis. Based on the available evidence, the clinical significance of this variant remains unclear.

CeGaT Center for Human Genetics Tuebingen
Classification: Uncertain significance. Last evaluated: 2023-07-01. Review status: criteria provided, single submitter. Criteria: CeGaT Center For Human Genetics Tuebingen Variant Classification Criteria Version 2. Collection method: clinical testing. Allele origin: germline. Affected: yes. Observed: 1 variant allele.
Comment: CBL: PM2

NM_005188.4(CBL):c.392G>A (p.Ser131Asn)

Gene: CBL (Cbl proto-oncogene; plus strand). Cytogenetic location: 11q23.3.
Variant type: single nucleotide variant.
Coding change: c.392G>A on transcript NM_005188.4 (MANE Select); coding-DNA position 392, G replaced by A.
Protein change: p.Ser131Asn; replaces serine 131 with asparagine.
Molecular consequence: missense variant.
Genome position (GRCh38, 1-based): chr11:119,232,644, G>A. VCF-style: chr11-119232644-G-A. GRCh37 (hg19) VCF-style: chr11-119103354-G-A.
Other names: c.392G>A (NM_005188.2); short protein forms S131N.
Identifiers: ClinVar variation 2642460 (VCV002642460.24), dbSNP rs2496866195, ClinGen allele CA382895659.